The following is an entry in ClinVar:

ClinVar aggregate classification (germline): Uncertain significance. Review status: criteria provided, multiple submitters, no conflicts (2 of 4 stars). 6 submissions from 6 submitters: Uncertain significance (6). Last evaluated 2025-12-18.

Conditions:
Catecholaminergic polymorphic ventricular tachycardia (CVPT). Also called: Catecholamine-induced polymorphic ventricular tachycardia. Identifiers: Orphanet 3286, MedGen C5574922, MONDO:0017990.
Cardiomyopathy (CMYO). Also called: Cardiomyopathies. Identifiers: Orphanet 167848, MedGen C0878544, MONDO:0004994, HP:0001638. Inheritance: Various modes of inheritance.
Hypertrophic cardiomyopathy. Also called: HYPERTROPHIC MYOCARDIOPATHY. Identifiers: Orphanet 217569, MedGen C0007194, MeSH D002312, MONDO:0005045, HP:0001639.

Allele frequency attached by ClinVar (database versions not stated): ExAC below 0.00001; TOPMed 0.00002; gnomAD 0.00003; ESP Exome Variant Server 0.00008.
gnomAD v4.1: 15 of 1,574,358 alleles (0.00095%); highest among the groups gnomAD compares: Middle Eastern, 0.018%; no homozygotes.

Submissions (6):

Color Diagnostics, LLC DBA Color Health
Classification: Uncertain significance for Cardiomyopathy. Last evaluated: 2025-12-18. Review status: criteria provided, single submitter. Criteria: ACMG Guidelines, 2015. Collection method: clinical testing. Allele origin: germline.
Comment: This missense variant replaces arginine with tryptophan at codon 281 of the MYBPC3 protein. Computational prediction suggests that this variant may not impact protein structure and function. To our knowledge, functional studies have not been reported for this variant.This variant has been reported in an individual affected with hypertrophic cardiomyopathy (PMID: 37652022), catecholaminergic polymorphic ventricular tachycardia (PMID: 29255176), as well as in a healthy control individual (PMID: 24510615). This variant has been identified in 15/1574358 chromosomes in the general population by the Genome Aggregation Database (gnomAD). The available evidence is insufficient to determine the role of this variant in disease conclusively. Therefore, this variant is classified as a Variant of Uncertain Significance.

Labcorp Genetics (formerly Invitae), Labcorp
Classification: Uncertain significance for Hypertrophic cardiomyopathy. Last evaluated: 2024-11-12. Review status: criteria provided, single submitter. Criteria: Invitae Variant Classification Sherloc (09022015). Collection method: clinical testing. Allele origin: germline.
Comment: This sequence change replaces arginine, which is basic and polar, with tryptophan, which is neutral and slightly polar, at codon 281 of the MYBPC3 protein (p.Arg281Trp). The frequency data for this variant in the population databases is considered unreliable, as metrics indicate poor data quality at this position in the gnomAD database. This missense change has been observed in individual(s) with hypertrophic cardiomyopathy (PMID: 24510615, 37652022). ClinVar contains an entry for this variant (Variation ID: 181052). An algorithm developed to predict the effect of missense changes on protein structure and function (PolyPhen-2) suggests that this variant is likely to be tolerated. In summary, the available evidence is currently insufficient to determine the role of this variant in disease. Therefore, it has been classified as a Variant of Uncertain Significance.

GeneDx
Classification: Uncertain significance. Last evaluated: 2024-06-21. Review status: criteria provided, single submitter. Criteria: GeneDx Variant Classification Process June 2021. Collection method: clinical testing. Allele origin: germline. Affected: yes.
Comment: Not observed at significant frequency in large population cohorts (gnomAD); In silico analysis indicates that this missense variant does not alter protein structure/function; In silico analysis is inconclusive as to whether the variant alters gene splicing. In the absence of RNA/functional studies, the actual effect of this sequence change is unknown.; Reported in individuals with long QT syndrome (LQTS) and hypertrophic cardiomyopathy (HCM) but also in healthy individuals from various ethnic backgrounds in the published literature (PMID: 24510615, 37652022, 29255176); This variant is associated with the following publications: (PMID: 24510615, 37652022, 29255176)

All of Us Research Program, National Institutes of Health
Classification: Uncertain significance for Hypertrophic cardiomyopathy. Last evaluated: 2024-05-24. Review status: criteria provided, single submitter. Criteria: ACMG Guidelines, 2015. Collection method: clinical testing. Allele origin: germline. Inheritance: Autosomal dominant inheritance. Observed: 5 variant alleles, 5 heterozygotes.
Comment: This missense variant replaces arginine with tryptophan at codon 281 of the MYBPC3 protein. Computational prediction tool suggests that this variant may not impact protein structure and function (internally defined REVEL score threshold <=0.5, PMID: 27666373). Splice site prediction tools suggest that this variant may not impact RNA splicing. To our knowledge, functional studies have not been performed for this variant. This variant has been reported in an individual affected with catecholaminergic polymorphic ventricular tachycardia (PMID: 29255176), as well as in a healthy individual (PMID: 24510615). This variant has been identified in 2/218656 chromosomes in the general population by the Genome Aggregation Database (gnomAD). The available evidence is insufficient to determine the role of this variant in disease conclusively. Therefore, this variant is classified as a Variant of Uncertain Significance.

This study involves interpretation of variants in research participants for the purpose of population health screening. Participant phenotype was not available at the time of variant classification. Additional details can be found in publication PMID: 35346344, PMCID: PMC8962531

Blueprint Genetics
Classification: Uncertain significance. Last evaluated: 2018-09-12. Review status: criteria provided, single submitter. Criteria: ACMG Guidelines, 2015. Collection method: clinical testing. Allele origin: germline.

Center for Human Genetics, University of Leuven
Classification: Uncertain significance for Catecholaminergic polymorphic ventricular tachycardia. Last evaluated: 2017-04-30. Review status: criteria provided, single submitter. Criteria: ACMG Guidelines, 2015. Collection method: clinical testing. Allele origin: germline. Inheritance: Autosomal dominant inheritance. Affected: yes.

Literature cited by the submitters: PubMed 24510615 (cited by 3 submitters); PubMed 29255176 (cited by Color Diagnostics, LLC DBA Color Health and All of Us Research Program, National Institutes of Health); PubMed 37652022 (cited by Color Diagnostics, LLC DBA Color Health and Labcorp Genetics (formerly Invitae), Labcorp).

NM_000256.3(MYBPC3):c.841C>T (p.Arg281Trp)

Gene: MYBPC3 (myosin binding protein C3; minus strand). Cytogenetic location: 11p11.2.
Variant type: single nucleotide variant.
Coding change: c.841C>T on transcript NM_000256.3 (MANE Select); coding-DNA position 841, C replaced by T.
Protein change: p.Arg281Trp; replaces arginine 281 with tryptophan.
Molecular consequence: missense variant.
Genome position (GRCh38, 1-based): chr11:47,347,661, G>A on the plus strand (C>T on the coding strand, the complement: MYBPC3 is on the minus strand). VCF-style: chr11-47347661-G-A. GRCh37 (hg19) VCF-style: chr11-47369212-G-A.
Other names: p.R281W:CGG>TGG; c.841C>T, p.Arg281Trp (LRG_386t1); short protein forms R281W.
Identifiers: ClinVar variation 181052 (VCV000181052.19), dbSNP rs371711564, ClinGen allele CA015945.